The following is an entry in ClinVar:

NM_012330.4(KAT6B):c.728G>A (p.Ser243Asn)

Gene: KAT6B (lysine acetyltransferase 6B; plus strand). Cytogenetic location: 10q22.2.
Variant type: single nucleotide variant.
Coding change: c.728G>A on transcript NM_012330.4 (MANE Select); coding-DNA position 728, G replaced by A.
Protein change: p.Ser243Asn; replaces serine 243 with asparagine.
Molecular consequence: missense variant.
Genome position (GRCh38, 1-based): chr10:74,960,076, G>A. VCF-style: chr10-74960076-G-A. GRCh37 (hg19) VCF-style: chr10-76719834-G-A.
Other names: c.728G>A, p.Ser243Asn (NM_001256468.2, NM_001256469.2, NM_001370132.1 and 10 more transcripts); c.190G>A, p.Val64Met (NM_001370134.1, NM_001370135.1); short protein forms S243N, V64M.
Identifiers: ClinVar variation 2714505 (VCV002714505.3), dbSNP rs2548879660, ClinGen allele CA377280240.

ClinVar aggregate classification (germline): Uncertain significance (1 of 4 stars; one submission).

Conditions:
Genitopatellar syndrome (GTPTS). Also called: Genitopatellar syndrome (GPS); ABSENT PATELLAE, SCROTAL HYPOPLASIA, RENAL ANOMALIES, FACIAL DYSMORPHISM, AND MENTAL RETARDATION. Identifiers: Orphanet 85201, MedGen C1853566, MONDO:0011640, OMIM 606170.

Submission:

Labcorp Genetics (formerly Invitae), Labcorp
Classification: Uncertain significance for Genitopatellar syndrome. Last evaluated: 2023-04-09. Review status: criteria provided, single submitter. Criteria: Invitae Variant Classification Sherloc (09022015). Collection method: clinical testing. Allele origin: germline.
Comment: In summary, the available evidence is currently insufficient to determine the role of this variant in disease. Therefore, it has been classified as a Variant of Uncertain Significance. An algorithm developed to predict the effect of missense changes on protein structure and function (PolyPhen-2) suggests that this variant is likely to be disruptive. This variant has not been reported in the literature in individuals affected with KAT6B-related conditions. This variant is not present in population databases (gnomAD no frequency). This sequence change replaces serine, which is neutral and polar, with asparagine, which is neutral and polar, at codon 243 of the KAT6B protein (p.Ser243Asn).